The following is an entry in ClinVar:

ClinVar aggregate classification (germline): Uncertain significance. Review status: criteria provided, multiple submitters, no conflicts (2 of 4 stars). 2 submissions from 2 submitters: Uncertain significance (2). Last evaluated 2025-11-23.

Conditions:
Emery-Dreifuss muscular dystrophy (EDMD). Also called: Scapuloperoneal syndrome, X-linked (formerly); Humeroperoneal neuromuscular disease, (formerly). Identifiers: Orphanet 261, MedGen C0410189, MONDO:0016830.

Allele frequency attached by ClinVar (database versions not stated): 1000 Genomes Project 30x 0.00016; 1000 Genomes Project 0.00020.
gnomAD v4.1: 28 of 1,599,080 alleles (0.0018%); highest among the groups gnomAD compares: East Asian, 0.059%; no homozygotes.

Submissions (2):

Ambry Genetics
Classification: Uncertain significance. Last evaluated: 2025-11-23. Review status: criteria provided, single submitter. Criteria: Ambry Variant Classification Scheme 2023. Collection method: clinical testing. Allele origin: germline.

Labcorp Genetics (formerly Invitae), Labcorp
Classification: Uncertain significance for Emery-Dreifuss muscular dystrophy. Last evaluated: 2024-09-24. Review status: criteria provided, single submitter. Criteria: Invitae Variant Classification Sherloc (09022015). Collection method: clinical testing. Allele origin: germline.
Comment: This sequence change replaces leucine, which is neutral and non-polar, with valine, which is neutral and non-polar, at codon 480 of the SUN1 protein (p.Leu480Val). This variant is present in population databases (rs565714490, gnomAD 0.1%), and has an allele count higher than expected for a pathogenic variant. This variant has not been reported in the literature in individuals affected with SUN1-related conditions. ClinVar contains an entry for this variant (Variation ID: 2524665). An algorithm developed to predict the effect of missense changes on protein structure and function (PolyPhen-2) suggests that this variant is likely to be tolerated. In summary, the available evidence is currently insufficient to determine the role of this variant in disease. Therefore, it has been classified as a Variant of Uncertain Significance.

NM_001130965.3(SUN1):c.1438C>G (p.Leu480Val)

Gene: SUN1 (Sad1 and UNC84 domain containing 1; plus strand). Cytogenetic location: 7p22.3.
Variant type: single nucleotide variant.
Coding change: c.1438C>G on transcript NM_001130965.3 (MANE Select); coding-DNA position 1438, C replaced by G.
Protein change: p.Leu480Val; replaces leucine 480 with valine.
Molecular consequence: missense variant. On other transcripts: non-coding transcript variant (3).
Genome position (GRCh38, 1-based): chr7:857,871, C>G. VCF-style: chr7-857871-C-G. GRCh37 (hg19) VCF-style: chr7-897508-C-G.
Other names: c.1129C>G, p.Leu377Val (NM_001171944.2); c.1678C>G, p.Leu560Val (NM_001367636.1, NM_001367691.1); c.1546C>G, p.Leu516Val (NM_001367638.1); c.979C>G, p.Leu327Val (NM_001367639.1); c.1618C>G, p.Leu540Val (NM_001367640.1); c.1438C>G, p.Leu480Val (NM_001367634.1, NM_001367633.1, NM_001367653.1); c.1087C>G, p.Leu363Val (NM_001367635.1); c.1480C>G, p.Leu494Val (NM_001367668.1, NM_001367647.1); and 43 more; short protein forms L291V, L429V, L430V, L434V, L484V, L507V, L508V, L523V.
Identifiers: ClinVar variation 2524665 (VCV002524665.5), dbSNP rs565714490, ClinGen allele CA4112242.